The following is an entry in ClinVar:

ClinVar aggregate classification (germline): Uncertain significance. Review status: criteria provided, multiple submitters, no conflicts (2 of 4 stars). 2 submissions from 2 submitters: Uncertain significance (2). Last evaluated 2025-09-21.

Conditions:
Cardiovascular phenotype. Identifiers: MedGen CN230736.
Hereditary cancer-predisposing syndrome. Also called: Neoplastic Syndromes, Hereditary; Tumor predisposition; Hereditary Cancer Syndrome; Hereditary neoplastic syndrome. Identifiers: Orphanet 140162, MedGen C0027672, MeSH D009386, MONDO:0015356.

Allele frequency attached by ClinVar (database versions not stated): gnomAD 0.00001; TOPMed 0.00001.
gnomAD v4.1: 10 of 1,612,400 alleles (0.00062%); highest among the groups gnomAD compares: Non-Finnish European, 0.00085%; no homozygotes.

Submissions (2):

Ambry Genetics
Classification: Uncertain significance for Cardiovascular phenotype; Hereditary cancer-predisposing syndrome. Last evaluated: 2025-09-21. Review status: criteria provided, single submitter. Criteria: Ambry Variant Classification Scheme 2023. Collection method: clinical testing. Allele origin: germline.
Comment: The p.R561L variant (also known as c.1682G>T), located in coding exon 15 of the LZTR1 gene, results from a G to T substitution at nucleotide position 1682. The arginine at codon 561 is replaced by leucine, an amino acid with dissimilar properties. This amino acid position is highly conserved in available vertebrate species. In addition, this alteration is predicted to be deleterious by in silico analysis. Since supporting evidence is limited at this time, the clinical significance of this alteration remains unclear.

Labcorp Genetics (formerly Invitae), Labcorp
Classification: Uncertain significance. Last evaluated: 2024-06-29. Review status: criteria provided, single submitter. Criteria: Invitae Variant Classification Sherloc (09022015). Collection method: clinical testing. Allele origin: germline.
Comment: This sequence change replaces arginine, which is basic and polar, with leucine, which is neutral and non-polar, at codon 561 of the LZTR1 protein (p.Arg561Leu). This variant is not present in population databases (gnomAD no frequency). This variant has not been reported in the literature in individuals affected with LZTR1-related conditions. ClinVar contains an entry for this variant (Variation ID: 1777940). Advanced modeling of protein sequence and biophysical properties (such as structural, functional, and spatial information, amino acid conservation, physicochemical variation, residue mobility, and thermodynamic stability) performed at Invitae indicates that this missense variant is not expected to disrupt LZTR1 protein function with a negative predictive value of 80%. In summary, the available evidence is currently insufficient to determine the role of this variant in disease. Therefore, it has been classified as a Variant of Uncertain Significance.

NM_006767.4(LZTR1):c.1682G>T (p.Arg561Leu)

Gene: LZTR1 (leucine zipper like post translational regulator 1; plus strand). Cytogenetic location: 22q11.21.
Variant type: single nucleotide variant.
Coding change: c.1682G>T on transcript NM_006767.4 (MANE Select); coding-DNA position 1682, G replaced by T.
Protein change: p.Arg561Leu; replaces arginine 561 with leucine.
Molecular consequence: missense variant.
Genome position (GRCh38, 1-based): chr22:20,994,624, G>T. VCF-style: chr22-20994624-G-T. GRCh37 (hg19) VCF-style: chr22-21348913-G-T.
Other names: short protein forms R561L.
Identifiers: ClinVar variation 1777940 (VCV001777940.8), dbSNP rs970027059, ClinGen allele CA410777745.